The following is an entry in ClinVar:

NM_002633.3(PGM1):c.1464+14_1464+15delinsTA

Gene: PGM1 (phosphoglucomutase 1; plus strand). Cytogenetic location: 1p31.3.
Variant type: Indel.
Coding change: c.1464+14_1464+15delinsTA on transcript NM_002633.3 (MANE Select); bases 14 to 15 of the intron after coding-DNA position 1464, GG replaced by TA.
Molecular consequence: intron variant.
Genome position (GRCh38, 1-based): chr1:63,651,866-63,651,867, GG replaced by TA. VCF-style: chr1-63651866-GG-TA. GRCh37 (hg19) VCF-style: chr1-64117537-GG-TA.
Other names: c.873+14_873+15delinsTA (NM_001172819.2); c.1518+14_1518+15delinsTA (NM_001172818.1).
Identifiers: ClinVar variation 2202126 (VCV002202126.4), dbSNP rs2523936086, ClinGen allele CA2580063155.

ClinVar aggregate classification (germline): Uncertain significance (1 of 4 stars; one submission).

Conditions:
PGM1-congenital disorder of glycosylation. Also called: CDG It; GLYCOGEN STORAGE DISEASE XIV; GSD XIV; Congenital disorder of glycosylation type 1t; PHOSPHOGLUCOMUTASE 1 DEFICIENCY; PGM1 DEFICIENCY. Identifiers: Orphanet 319646, MedGen C2752015, MONDO:0013968, OMIM 614921.

Submission:

Labcorp Genetics (formerly Invitae), Labcorp
Classification: Uncertain significance for PGM1-congenital disorder of glycosylation. Last evaluated: 2026-01-19. Review status: criteria provided, single submitter. Criteria: Invitae Variant Classification Sherloc (09022015). Collection method: clinical testing. Allele origin: germline.
Comment: This sequence change falls in intron 9 of the PGM1 gene. It does not directly change the encoded amino acid sequence of the PGM1 protein. Information on the frequency of this variant in the gnomAD database is not available, as this variant may be reported differently in the database. This variant has not been reported in the literature in individuals affected with PGM1-related conditions. ClinVar contains an entry for this variant (Variation ID: 2202126). Experimental studies and prediction algorithms are not available or were not evaluated, and the effect of this variant on mRNA splicing is currently unknown. In summary, the available evidence is currently insufficient to determine the role of this variant in disease. Therefore, it has been classified as a Variant of Uncertain Significance.